The following is an entry in ClinVar:

NM_001005498.4(RHBDF2):c.1804T>A (p.Ser602Thr)

Gene: RHBDF2 (rhomboid 5 homolog 2; minus strand). Cytogenetic location: 17q25.1.
Variant type: single nucleotide variant.
Coding change: c.1804T>A on transcript NM_001005498.4 (MANE Select); coding-DNA position 1804, T replaced by A.
Protein change: p.Ser602Thr; replaces serine 602 with threonine.
Molecular consequence: missense variant. On other transcripts: non-coding transcript variant (3).
Genome position (GRCh38, 1-based): chr17:76,473,257, A>T on the plus strand (T>A on the coding strand, the complement: RHBDF2 is on the minus strand). VCF-style: chr17-76473257-A-T. GRCh37 (hg19) VCF-style: chr17-74469339-A-T.
Other names: c.1804T>A, p.Ser602Thr (NM_001376228.1, NM_001376229.1, NM_001376230.1); c.1891T>A, p.Ser631Thr (NM_024599.5); short protein forms S602T, S631T.
Identifiers: ClinVar variation 3363778 (VCV003363778.1).

ClinVar aggregate classification (germline): Uncertain significance (1 of 4 stars; one submission).

Submission:

GeneDx
Classification: Uncertain significance. Last evaluated: 2023-10-31. Review status: criteria provided, single submitter. Criteria: GeneDx Variant Classification Process June 2021. Collection method: clinical testing. Allele origin: germline. Affected: yes.
Comment: Not observed at significant frequency in large population cohorts (gnomAD); In silico analysis supports that this missense variant has a deleterious effect on protein structure/function; Has not been previously published as pathogenic or benign to our knowledge